The following is an entry in ClinVar:

NM_001009944.3(PKD1):c.9921C>G (p.Tyr3307Ter)

Gene: PKD1 (polycystin 1, transient receptor potential channel interacting; minus strand). Cytogenetic location: 16p13.3.
Variant type: single nucleotide variant.
Coding change: c.9921C>G on transcript NM_001009944.3 (MANE Select); coding-DNA position 9921, C replaced by G.
Protein change: p.Tyr3307Ter; replaces tyrosine 3307 with a stop codon.
Molecular consequence: nonsense.
Genome position (GRCh38, 1-based): chr16:2,099,863, G>C on the plus strand (C>G on the coding strand, the complement: PKD1 is on the minus strand). VCF-style: chr16-2099863-G-C. GRCh37 (hg19) VCF-style: chr16-2149864-G-C.
Other names: c.9921C>G, p.Tyr3307Ter (NM_000296.4); short protein forms Y3307*.
Identifiers: ClinVar variation 4845298 (VCV004845298.1).

ClinVar aggregate classification (germline): Pathogenic (1 of 4 stars; one submission).

Conditions:
Cystic renal disease.

Submission:

Genetics Laboratory, Great Ormond Street Hospital NHS Foundation Trust, North Thames Genomic Laboratory Hub
Classification: Pathogenic for Cystic renal disease. Last evaluated: 2026-02-26. Review status: criteria provided, single submitter. Criteria: ACGS Best Practice Guidelines for Variant Classification in Rare Disease 2024 v1.2. Collection method: clinical testing. Allele origin: germline. Affected: yes.
Comment: PS4_moderate, PM2_moderate, PVS1_very-strong